The following is an entry in ClinVar:

ClinVar aggregate classification (germline): Uncertain significance (1 of 4 stars; one submission).

Conditions:
FANCB-related disorder. Also called: FANCB-related condition.

Allele frequency attached by ClinVar (database versions not stated): gnomAD exomes below 0.00001.
gnomAD v4.1: 1 of 1,180,364 alleles (0.000085%); highest among the groups gnomAD compares: East Asian, 0.003%; no homozygotes.

Submission:

PreventionGenetics, part of Exact Sciences
Classification: Uncertain significance for FANCB-related condition. Last evaluated: 2022-12-01. Review status: criteria provided, single submitter. Criteria: ACMG Guidelines, 2015. Collection method: clinical testing. Allele origin: germline.
Comment: The FANCB c.952G>A variant is predicted to result in the amino acid substitution p.Val318Ile. To our knowledge, this variant has not been reported in the literature or in a large population database, indicating this variant is rare. At this time, the clinical significance of this variant is uncertain due to the absence of conclusive functional and genetic evidence.

NM_001018113.3(FANCB):c.952G>A (p.Val318Ile)

Gene: FANCB (FA complementation group B; minus strand). Cytogenetic location: Xp22.2.
Variant type: single nucleotide variant.
Coding change: c.952G>A on transcript NM_001018113.3 (MANE Select); coding-DNA position 952, G replaced by A.
Protein change: p.Val318Ile; replaces valine 318 with isoleucine.
Molecular consequence: missense variant.
Genome position (GRCh38, 1-based): chrX:14,859,334, C>T on the plus strand (G>A on the coding strand, the complement: FANCB is on the minus strand). VCF-style: chrX-14859334-C-T. GRCh37 (hg19) VCF-style: chrX-14877456-C-T.
Other names: c.952G>A, p.Val318Ile (NM_001324162.2, NM_001410764.1, NM_152633.4); short protein forms V318I.
Identifiers: ClinVar variation 2635448 (VCV002635448.1), dbSNP rs2518993294, ClinGen allele CA412443325.